The following is an entry in ClinVar:

NM_000396.4(CTSK):c.847T>C (p.Tyr283His)

Gene: CTSK (cathepsin K; minus strand). Cytogenetic location: 1q21.3.
Variant type: single nucleotide variant.
Coding change: c.847T>C on transcript NM_000396.4 (MANE Select); coding-DNA position 847, T replaced by C.
Protein change: p.Tyr283His; replaces tyrosine 283 with histidine.
Molecular consequence: missense variant.
Genome position (GRCh38, 1-based): chr1:150,799,211, A>G on the plus strand (T>C on the coding strand, the complement: CTSK is on the minus strand). VCF-style: chr1-150799211-A-G. GRCh37 (hg19) VCF-style: chr1-150771687-A-G.
Other names: short protein forms Y283H.
Identifiers: ClinVar variation 3017115 (VCV003017115.3), dbSNP rs2525165528, ClinGen allele CA342335791.

ClinVar aggregate classification (germline): Likely pathogenic (1 of 4 stars; one submission).

Allele frequency attached by ClinVar (database versions not stated): gnomAD exomes below 0.00001.
gnomAD v4.1: 1 of 1,613,250 alleles (0.000062%); highest among the groups gnomAD compares: East Asian, 0.0022%; no homozygotes.

Submission:

Labcorp Genetics (formerly Invitae), Labcorp
Classification: Likely pathogenic. Last evaluated: 2024-03-05. Review status: criteria provided, single submitter. Criteria: Invitae Variant Classification Sherloc (09022015). Collection method: clinical testing. Allele origin: germline.
Comment: This sequence change replaces tyrosine, which is neutral and polar, with histidine, which is basic and polar, at codon 283 of the CTSK protein (p.Tyr283His). This variant is not present in population databases (gnomAD no frequency). This missense change has been observed in individuals with CTSK-related conditions (PMID: 30967749; Invitae). Advanced modeling of protein sequence and biophysical properties (such as structural, functional, and spatial information, amino acid conservation, physicochemical variation, residue mobility, and thermodynamic stability) performed at Invitae indicates that this missense variant is expected to disrupt CTSK protein function with a positive predictive value of 80%. This variant disrupts the p.Tyr283 amino acid residue in CTSK. Other variant(s) that disrupt this residue have been observed in individuals with CTSK-related conditions (PMID: 25731711; Invitae), which suggests that this may be a clinically significant amino acid residue. In summary, the currently available evidence indicates that the variant is pathogenic, but additional data are needed to prove that conclusively. Therefore, this variant has been classified as Likely Pathogenic.

Literature cited by the submitters: PubMed 30967749; PubMed 25731711.